The following is an entry in ClinVar:

NM_007272.3(CTRC):c.55G>T (p.Val19Leu)

Gene: CTRC (chymotrypsin C; plus strand). Cytogenetic location: 1p36.21.
Variant type: single nucleotide variant.
Coding change: c.55G>T on transcript NM_007272.3 (MANE Select); coding-DNA position 55, G replaced by T.
Protein change: p.Val19Leu; replaces valine 19 with leucine.
Molecular consequence: missense variant.
Genome position (GRCh38, 1-based): chr1:15,440,314, G>T. VCF-style: chr1-15440314-G-T. GRCh37 (hg19) VCF-style: chr1-15766810-G-T.
Other names: short protein forms V19L.
Identifiers: ClinVar variation 1748564 (VCV001748564.2), dbSNP rs751854409, ClinGen allele CA613203.

ClinVar aggregate classification (germline): Uncertain significance (1 of 4 stars; one submission).

Conditions:
Hereditary pancreatitis (PCTT). Also called: Hereditary chronic pancreatitis; PRSS1-Related Hereditary Pancreatitis. Identifiers: Orphanet 676, MedGen C0238339, MONDO:0008185, OMIM 167800.

Allele frequency attached by ClinVar (database versions not stated): TOPMed below 0.00001; ExAC 0.00003.
gnomAD v4.1: 15 of 1,608,376 alleles (0.00093%); highest among the groups gnomAD compares: Non-Finnish European, 0.0013%; no homozygotes.

Submission:

Ambry Genetics
Classification: Uncertain significance for Hereditary pancreatitis. Last evaluated: 2024-02-26. Review status: criteria provided, single submitter. Criteria: Ambry Variant Classification Scheme 2023. Collection method: clinical testing. Allele origin: germline.
Comment: The p.V19L variant (also known as c.55G>T), located in coding exon 2 of the CTRC gene, results from a G to T substitution at nucleotide position 55. The valine at codon 19 is replaced by leucine, an amino acid with highly similar properties. This amino acid position is conserved. In addition, this alteration is predicted to be tolerated by in silico analysis. Since supporting evidence is limited at this time, the clinical significance of this alteration remains unclear.